The following is an entry in ClinVar:

ClinVar aggregate classification (germline): Uncertain significance (1 of 4 stars; one submission).

Submission:

GeneDx
Classification: Uncertain significance. Last evaluated: 2022-12-01. Review status: criteria provided, single submitter. Criteria: GeneDx Variant Classification Process June 2021. Collection method: clinical testing. Allele origin: germline. Affected: yes.
Comment: Not observed at significant frequency in large population cohorts (gnomAD); In silico analysis supports that this missense variant does not alter protein structure/function; Has not been previously published as pathogenic or benign to our knowledge

NM_006734.4(HIVEP2):c.2543C>A (p.Pro848His)

Gene: HIVEP2 (HIVEP zinc finger 2; minus strand). Cytogenetic location: 6q24.2.
Variant type: single nucleotide variant.
Coding change: c.2543C>A on transcript NM_006734.4 (MANE Select); coding-DNA position 2543, C replaced by A.
Protein change: p.Pro848His; replaces proline 848 with histidine.
Molecular consequence: missense variant.
Genome position (GRCh38, 1-based): chr6:142,772,196, G>T on the plus strand (C>A on the coding strand, the complement: HIVEP2 is on the minus strand). VCF-style: chr6-142772196-G-T. GRCh37 (hg19) VCF-style: chr6-143093333-G-T.
Other names: short protein forms P848H.
Identifiers: ClinVar variation 2504402 (VCV002504402.1), dbSNP rs2482838233, ClinGen allele CA365908722.